The following is an entry in ClinVar:

NC_000011.9:g.(?_9161218)_(9187534_?)dup

Gene: DENND5A (DENN domain containing 5A; minus strand). Cytogenetic location: 11p15.4.
Variant type: Duplication.
Identifiers: ClinVar variation 2426101 (VCV002426101.4).

ClinVar aggregate classification (germline): Uncertain significance (1 of 4 stars; one submission).

Submission:

Labcorp Genetics (formerly Invitae), Labcorp
Classification: Uncertain significance. Last evaluated: 2022-06-22. Review status: criteria provided, single submitter. Criteria: Invitae Variant Classification Sherloc (09022015). Collection method: clinical testing. Allele origin: germline.
Comment: In summary, the available evidence is currently insufficient to determine the role of this variant in disease. Therefore, it has been classified as a Variant of Uncertain Significance. Experimental studies and prediction algorithms are not available or were not evaluated, and the functional significance of this variant is currently unknown. This variant has not been reported in the literature in individuals affected with DENND5A-related conditions. This variant results in a copy number gain of the genomic region encompassing exon(s) 11-23 of the DENND5A gene. This region includes the termination codon of the gene. This copy number gain extends beyond the assayed region for this gene and therefore may encompass additional genes. As the precise location of this event is unknown, it may be in tandem or it may be located elsewhere in the genome.